The following is an entry in ClinVar:

ClinVar aggregate classification (germline): Pathogenic (1 of 4 stars; one submission).

Conditions:
Osteogenesis imperfecta type I (OI1). Also called: OI, TYPE I; OSTEOGENESIS IMPERFECTA TARDA; OSTEOGENESIS IMPERFECTA WITH BLUE SCLERAE; Lobstein's Disease; Osteogenesis imperfecta type 1; Classic Non-deforming Osteogenesis Imperfecta with Blue Sclerae. Identifiers: Orphanet 216796, Orphanet 666, MedGen C0023931, MONDO:0008146, OMIM 166200. Disease mechanism: loss of function.

Submission:

Labcorp Genetics (formerly Invitae), Labcorp
Classification: Pathogenic for Osteogenesis imperfecta type I. Last evaluated: 2022-11-08. Review status: criteria provided, single submitter. Criteria: Invitae Variant Classification Sherloc (09022015). Collection method: clinical testing. Allele origin: germline.
Comment: This sequence change replaces glycine, which is neutral and non-polar, with valine, which is neutral and non-polar, at codon 218 of the COL1A1 protein (p.Gly218Val). This variant is not present in population databases (gnomAD no frequency). This missense change has been observed in individual(s) with osteogenesis imperfecta (PMID: 30614853). Advanced modeling of protein sequence and biophysical properties (such as structural, functional, and spatial information, amino acid conservation, physicochemical variation, residue mobility, and thermodynamic stability) performed at Invitae indicates that this missense variant is expected to disrupt COL1A1 protein function. For these reasons, this variant has been classified as Pathogenic. This variant disrupts the triple helix domain of COL1A1. Glycine residues within the Gly-Xaa-Yaa repeats of the triple helix domain are required for the structure and stability of fibrillar collagens (PMID: 7695699, 8218237, 19344236). In COL1A1, variants affecting these glycine residues are significantly enriched in individuals with disease (PMID: 9016532, 17078022) compared to the general population (ExAC).

Literature cited by the submitters: PubMed 30614853; PubMed 7695699; PubMed 8218237; PubMed 19344236; PubMed 9016532; PubMed 17078022.

NM_000088.4(COL1A1):c.653G>T (p.Gly218Val)

Gene: COL1A1 (collagen type I alpha 1 chain; minus strand). Cytogenetic location: 17q21.33.
Variant type: single nucleotide variant.
Coding change: c.653G>T on transcript NM_000088.4 (MANE Select); coding-DNA position 653, G replaced by T.
Protein change: p.Gly218Val; replaces glycine 218 with valine.
Molecular consequence: missense variant.
Genome position (GRCh38, 1-based): chr17:50,197,775, C>A on the plus strand (G>T on the coding strand, the complement: COL1A1 is on the minus strand). VCF-style: chr17-50197775-C-A. GRCh37 (hg19) VCF-style: chr17-48275136-C-A.
Other names: short protein forms G218V.
Identifiers: ClinVar variation 2159545 (VCV002159545.4), dbSNP rs2509245447, ClinGen allele CA400224789.
Genomic context (GRCh38, chr17:50,197,775, plus strand): 5'-TTGCTGGGGATACTTACATCATCTCCATTCTTTCCAGGGGGACCTGGGGGACCTCGGGGA[C>A]CCATGGGACCCTAGAAAAGATAGAAGAGGTGGTTAGAATATGGATAAGAAAAAAAGAAGG-3'
Protein context (NP_000079.2, residues 208-228): PGEPGASGPM[Gly218Val]PRGPPGPPGK